The following is an entry in ClinVar:

ClinVar aggregate classification (germline): Pathogenic. Review status: criteria provided, multiple submitters, no conflicts (2 of 4 stars). 3 submissions from 3 submitters: Pathogenic (3). Last evaluated 2025-10-01.

Conditions:
Amelogenesis imperfecta type 1A. Also called: AMELOGENESIS IMPERFECTA, HYPOPLASTIC TYPE IA; Amelogenesis imperfecta, type IA; Amelogenesis imperfecta local hypoplastic; Amelogenesis imperfecta, hypoplastic type. Identifiers: Orphanet 88661, MedGen C4011403, MONDO:0007094, OMIM 104530.
Junctional epidermolysis bullosa gravis of Herlitz. Also called: Epidermolysis Bullosa Letalis; Herlitz-type junctional epidermolysis bullosa; EPIDERMOLYSIS BULLOSA JUNCTIONALIS, HERLITZ TYPE; EPIDERMOLYSIS BULLOSA, JUNCTIONAL, HERLITZ-PEARSON TYPE; EPIDERMOLYSIS BULLOSA, JUNCTIONAL 1B, SEVERE; JEB-HERLITZ TYPE. Identifiers: Orphanet 79404, MedGen C0079683, MONDO:0009182, OMIM 226700.
Junctional epidermolysis bullosa, non-Herlitz type. Also called: Adult junctional epidermolysis bullosa; EPIDERMOLYSIS BULLOSA JUNCTIONALIS, DISENTIS TYPE; EPIDERMOLYSIS BULLOSA JUNCTIONALIS, NON-HERLITZ TYPE; EPIDERMOLYSIS BULLOSA JUNCTIONALIS, PROGRESSIVE; EPIDERMOLYSIS BULLOSA JUNCTIONALIS, SEVERE NONLETHAL; Epidermolysis bullosa, junctional, non-herlitz type, somatic mosaic revertant. Identifiers: Orphanet 251393, Orphanet 79402, Orphanet 79405, Orphanet 89840, MedGen C0268374, MONDO:0009180, OMIM 226650.

Allele frequency attached by ClinVar (database versions not stated): gnomAD exomes below 0.00001; ExAC 0.00001.

Submissions (3):

Labcorp Genetics (formerly Invitae), Labcorp
Classification: Pathogenic. Last evaluated: 2025-10-01. Review status: criteria provided, single submitter. Criteria: Invitae Variant Classification Sherloc (09022015). Collection method: clinical testing. Allele origin: germline.
Comment: This sequence change creates a premature translational stop signal (p.Tyr339*) in the LAMB3 gene. It is expected to result in an absent or disrupted protein product. Loss-of-function variants in LAMB3 are known to be pathogenic (PMID: 11023379, 16473856). This variant is present in population databases (rs774174881, gnomAD 0.0009%). This variant has not been reported in the literature in individuals affected with LAMB3-related conditions. ClinVar contains an entry for this variant (Variation ID: 372402). For these reasons, this variant has been classified as Pathogenic.

Fulgent Genetics
Classification: Pathogenic for Amelogenesis imperfecta type 1A; Junctional epidermolysis bullosa, non-Herlitz type; Junctional epidermolysis bullosa gravis of Herlitz. Last evaluated: 2018-10-31. Review status: criteria provided, single submitter. Criteria: ACMG Guidelines, 2015. Collection method: clinical testing. Allele origin: unknown.

GeneDx
Classification: Pathogenic. Last evaluated: 2015-04-29. Review status: criteria provided, single submitter. Criteria: GeneDx Variant Classification (06012015). Collection method: clinical testing. Allele origin: germline. Affected: yes.
Comment: The Y339X variant in the LAMB3 gene has not been reported previously as a pathogenic variant nor as a benign polymorphism, to our knowledge, however numerous other premature termination codon forming variants have been identified. This variant is predicted to cause loss of normal protein function either through protein truncation or nonsense-mediated mRNA decay. Y339X was not observed in approximately 6,500 individuals of European and African American ancestry in the NHLBI Exome Sequencing Project, indicating it is not a common benign variant in these populations. We interpret Y339X as a pathogenic variant.

Literature cited by the submitters: PubMed 11023379 (cited by Labcorp Genetics (formerly Invitae), Labcorp); PubMed 16473856 (cited by Labcorp Genetics (formerly Invitae), Labcorp).

NM_000228.3(LAMB3):c.1017T>G (p.Tyr339Ter)

Gene: LAMB3 (laminin subunit beta 3; minus strand). Cytogenetic location: 1q32.2.
Variant type: single nucleotide variant.
Coding change: c.1017T>G on transcript NM_000228.3 (MANE Select); coding-DNA position 1017, T replaced by G.
Protein change: p.Tyr339Ter; replaces tyrosine 339 with a stop codon.
Molecular consequence: nonsense.
Genome position (GRCh38, 1-based): chr1:209,629,852, A>C on the plus strand (T>G on the coding strand, the complement: LAMB3 is on the minus strand). VCF-style: chr1-209629852-A-C. GRCh37 (hg19) VCF-style: chr1-209803197-A-C.
Other names: c.1017T>G, p.Tyr339Ter (NM_001017402.2, NM_001127641.1); short protein forms Y339*.
Identifiers: ClinVar variation 372402 (VCV000372402.9), dbSNP rs774174881, ClinGen allele CA1375717.
Genomic context (GRCh38, chr1:209,629,852, plus strand): 5'-CTGACACCGCTCACAGTTCTTGCCTTCGGTGTGGTCCCGGCAATTGTCACACACACCTCC[A>C]TATGCCCCCTGGCTGGCGGCAAACACAGCGGGGTCAAAGTGACATGTCTCTGAGTGCCCA-3'